The following is an entry in ClinVar:

NM_017570.5(OPLAH):c.313C>T (p.Arg105Ter)

Gene: OPLAH (5-oxoprolinase, ATP-hydrolysing; minus strand). Cytogenetic location: 8q24.3.
Variant type: single nucleotide variant.
Coding change: c.313C>T on transcript NM_017570.5 (MANE Select); coding-DNA position 313, C replaced by T.
Protein change: p.Arg105Ter; replaces arginine 105 with a stop codon.
Molecular consequence: nonsense.
Genome position (GRCh38, 1-based): chr8:144,059,649, G>A on the plus strand (C>T on the coding strand, the complement: OPLAH is on the minus strand). VCF-style: chr8-144059649-G-A. GRCh37 (hg19) VCF-style: chr8-145114552-G-A.
Other names: short protein forms R105*.
Identifiers: ClinVar variation 5007282 (VCV005007282.2).

ClinVar aggregate classification (germline): Likely pathogenic (1 of 4 stars; one submission).

Conditions:
5-Oxoprolinase deficiency (OPLAHD). Also called: 5-OXOPROLINURIA DUE TO 5-OXOPROLINASE DEFICIENCY. Identifiers: Orphanet 33572, MedGen C0268525, MONDO:0009825, OMIM 260005, HP:0040142.

gnomAD v4.1: 19 of 1,612,206 alleles (0.0012%); highest among the groups gnomAD compares: South Asian, 0.0077%; no homozygotes.

Submission:

Juno Genomics, Hangzhou Juno Genomics, Inc
Classification: Likely pathogenic for 5-Oxoprolinase deficiency. Review status: criteria provided, single submitter. Criteria: ACMG Guidelines, 2015. Collection method: clinical testing. Allele origin: germline.
Comment: Null variant in a gene where loss of function (LOF) is a known mechanism of disease.;Absent from controls (or at extremely low frequency if recessive) in Genome Aggregation Database.